The following is an entry in ClinVar:

NM_021167.5(GATAD1):c.38A>G (p.Lys13Arg)

Genes: GATAD1 (GATA zinc finger domain containing 1; plus strand), LOC129998793 (ATAC-STARR-seq lymphoblastoid silent region 18371; plus strand). Cytogenetic location: 7q21.2.
Variant type: single nucleotide variant.
Coding change: c.38A>G on transcript NM_021167.5 (MANE Select); coding-DNA position 38, A replaced by G.
Protein change: p.Lys13Arg; replaces lysine 13 with arginine.
Molecular consequence: missense variant. On other transcripts: non-coding transcript variant (1).
Genome position (GRCh38, 1-based): chr7:92,447,767, A>G. VCF-style: chr7-92447767-A-G. GRCh37 (hg19) VCF-style: chr7-92077081-A-G.
Other names: short protein forms K13R.
Identifiers: ClinVar variation 1917356 (VCV001917356.5), dbSNP rs1585162259, ClinGen allele CA368154630.
Genomic context (GRCh38, chr7:92,447,767, plus strand): 5'-GGGGGCCGCCCGAGCCGGCCACCATGCCGCTGGGCCTGAAGCCCACCTGCAGCGTATGCA[A>G]GACCACGTCGTCCTCCATGTGGAAGAAGGGAGCGCAGGGGGAGATCCTCTGCCATCATTG-3'
Protein context (NP_066990.3, residues 3-23): LGLKPTCSVC[Lys13Arg]TTSSSMWKKG

ClinVar aggregate classification (germline): Uncertain significance (1 of 4 stars; one submission).

Conditions:
Dilated cardiomyopathy 2B. Identifiers: Orphanet 154, MedGen C3553409, MONDO:0013848, OMIM 614672.

Allele frequency attached by ClinVar (database versions not stated): gnomAD 0.00001; gnomAD exomes below 0.00001.
gnomAD v4.1: 4 of 1,499,362 alleles (0.00027%); highest among the groups gnomAD compares: African/African-American, 0.0015%; no homozygotes.

Submission:

Labcorp Genetics (formerly Invitae), Labcorp
Classification: Uncertain significance for Dilated cardiomyopathy 2B. Last evaluated: 2022-09-12. Review status: criteria provided, single submitter. Criteria: Invitae Variant Classification Sherloc (09022015). Collection method: clinical testing. Allele origin: germline.
Comment: In summary, the available evidence is currently insufficient to determine the role of this variant in disease. Therefore, it has been classified as a Variant of Uncertain Significance. This sequence change replaces lysine, which is basic and polar, with arginine, which is basic and polar, at codon 13 of the GATAD1 protein (p.Lys13Arg). This variant is not present in population databases (gnomAD no frequency). This variant has not been reported in the literature in individuals affected with GATAD1-related conditions. Advanced modeling of protein sequence and biophysical properties (such as structural, functional, and spatial information, amino acid conservation, physicochemical variation, residue mobility, and thermodynamic stability) performed at Invitae indicates that this missense variant is not expected to disrupt GATAD1 protein function.